The following is an entry in ClinVar:

ClinVar aggregate classification (germline): Uncertain significance. Review status: criteria provided, multiple submitters, no conflicts (2 of 4 stars). 2 submissions from 2 submitters: Uncertain significance (2). Last evaluated 2025-03-21.

Conditions:
Inborn genetic diseases. Identifiers: MedGen C0950123, MeSH D030342.

gnomAD v4.1: 4 of 1,614,188 alleles (0.00025%); highest among the groups gnomAD compares: Admixed American, 0.005%; no homozygotes.

Submissions (2):

Labcorp Genetics (formerly Invitae), Labcorp
Classification: Uncertain significance. Last evaluated: 2025-03-21. Review status: criteria provided, single submitter. Criteria: Invitae Variant Classification Sherloc (09022015). Collection method: clinical testing. Allele origin: germline.
Comment: This sequence change replaces glutamine, which is neutral and polar, with arginine, which is basic and polar, at codon 103 of the SAMD9 protein (p.Gln103Arg). This variant is present in population databases (rs770425514, gnomAD 0.006%). This variant has not been reported in the literature in individuals affected with SAMD9-related conditions. Invitae Evidence Modeling of protein sequence and biophysical properties (such as structural, functional, and spatial information, amino acid conservation, physicochemical variation, residue mobility, and thermodynamic stability) indicates that this missense variant is not expected to disrupt SAMD9 protein function with a negative predictive value of 95%. In summary, the available evidence is currently insufficient to determine the role of this variant in disease. Therefore, it has been classified as a Variant of Uncertain Significance.

Ambry Genetics
Classification: Uncertain significance for Inborn genetic diseases. Last evaluated: 2025-01-23. Review status: criteria provided, single submitter. Criteria: Ambry Variant Classification Scheme 2023. Collection method: clinical testing. Allele origin: germline.
Comment: The p.Q103R variant (also known as c.308A>G), located in coding exon 1 of the SAMD9 gene, results from an A to G substitution at nucleotide position 308. The glutamine at codon 103 is replaced by arginine, an amino acid with highly similar properties. This amino acid position is conserved. In addition, this alteration is predicted to be tolerated by in silico analysis. Based on the available evidence, the clinical significance of this variant remains unclear.

NM_017654.4(SAMD9):c.308A>G (p.Gln103Arg)

Gene: SAMD9 (sterile alpha motif domain containing 9; minus strand). Cytogenetic location: 7q21.2.
Variant type: single nucleotide variant.
Coding change: c.308A>G on transcript NM_017654.4 (MANE Select); coding-DNA position 308, A replaced by G.
Protein change: p.Gln103Arg; replaces glutamine 103 with arginine.
Molecular consequence: missense variant.
Genome position (GRCh38, 1-based): chr7:93,105,790, T>C on the plus strand (A>G on the coding strand, the complement: SAMD9 is on the minus strand). VCF-style: chr7-93105790-T-C. GRCh37 (hg19) VCF-style: chr7-92735103-T-C.
Other names: c.308A>G (NM_017654.3); c.308A>G, p.Gln103Arg (NM_001193307.2); short protein forms Q103R.
Identifiers: ClinVar variation 3700882 (VCV003700882.3).